The following is an entry in ClinVar:

ClinVar aggregate classification (germline): Likely benign. Review status: criteria provided, single submitter (1 of 4 stars). 2 submissions from 2 submitters: Likely benign (1). 1 of the submissions does not count toward it. Last evaluated 2023-11-13.

Conditions:
PCNT-related disorder. Also called: PCNT-related condition.

Allele frequency attached by ClinVar (database versions not stated): ExAC 0.00002; gnomAD exomes 0.00002; gnomAD 0.00003; TOPMed 0.00005; ESP Exome Variant Server 0.00008.
gnomAD v4.1: 33 of 1,613,962 alleles (0.002%); highest among the groups gnomAD compares: African/African-American, 0.0053%; no homozygotes.

Submissions (2):

Labcorp Genetics (formerly Invitae), Labcorp
Classification: Likely benign. Last evaluated: 2023-11-13. Review status: criteria provided, single submitter. Criteria: Invitae Variant Classification Sherloc (09022015). Collection method: clinical testing. Allele origin: germline.

PreventionGenetics, part of Exact Sciences
Classification: Likely benign for PCNT-related condition. Last evaluated: 2022-02-28. Review status: no assertion criteria provided. Collection method: clinical testing. Allele origin: germline. Not counted in ClinVar's aggregate classification.
Comment: This variant is classified as likely benign based on ACMG/AMP sequence variant interpretation guidelines (Richards et al. 2015 PMID: 25741868, with internal and published modifications).

NM_006031.6(PCNT):c.1875C>T (p.Cys625=)

Gene: PCNT (pericentrin; plus strand). Cytogenetic location: 21q22.3.
Variant type: single nucleotide variant.
Coding change: c.1875C>T on transcript NM_006031.6 (MANE Select); coding-DNA position 1875, C replaced by T.
Protein change: p.Cys625=; no amino-acid change (cysteine 625 retained).
Molecular consequence: synonymous variant.
Genome position (GRCh38, 1-based): chr21:46,355,565, C>T. VCF-style: chr21-46355565-C-T. GRCh37 (hg19) VCF-style: chr21-47775480-C-T.
Other names: c.1875C>T (NM_006031.5); c.1521C>T, p.Cys507= (NM_001315529.2).
Identifiers: ClinVar variation 2973204 (VCV002973204.5), dbSNP rs369822215, ClinGen allele CA10078794.